The following is an entry in ClinVar:

NM_003542.4(H4C3):c.29G>T (p.Gly10Val)

Gene: H4C3 (H4 clustered histone 3; plus strand). Cytogenetic location: 6p22.2.
Variant type: single nucleotide variant.
Coding change: c.29G>T on transcript NM_003542.4 (MANE Select); coding-DNA position 29, G replaced by T.
Protein change: p.Gly10Val; replaces glycine 10 with valine.
Molecular consequence: missense variant.
Genome position (GRCh38, 1-based): chr6:26,103,976, G>T. VCF-style: chr6-26103976-G-T. GRCh37 (hg19) VCF-style: chr6-26104204-G-T.
Other names: short protein forms G10V.
Identifiers: ClinVar variation 3768400 (VCV003768400.1).

ClinVar aggregate classification (germline): Uncertain significance (1 of 4 stars; one submission).

gnomAD v4.1: 1 of 1,611,830 alleles (0.000062%); highest among the groups gnomAD compares: African/African-American, 0.0013%; no homozygotes.

Submission:

Women's Health and Genetics/Laboratory Corporation of America, LabCorp
Classification: Uncertain significance. Last evaluated: 2024-12-26. Review status: criteria provided, single submitter. Criteria: LabCorp Variant Classification Summary - May 2015. Collection method: clinical testing. Allele origin: germline.
Comment: Variant summary: H4C3 c.29G>T (p.Gly10Val) results in a non-conservative amino acid change in the encoded protein sequence. Two of four in-silico tools predict a benign effect of the variant on protein function. The variant allele was found at a frequency of 6.2e-07 in 1604868 control chromosomes in the gnomAD database (v4.1 dataset). The available data on variant occurrences in the general population are insufficient to allow any conclusion about variant significance. To our knowledge, no occurrence of c.29G>T in individuals affected with Tessadori-Van Haaften Neurodevelopmental Syndrome 1 and no experimental evidence demonstrating its impact on protein function have been reported. No submitters have cited clinical-significance assessments for this variant to ClinVar. Based on the evidence outlined above, the variant was classified as uncertain significance.